The following is an entry in ClinVar:

ClinVar aggregate classification (germline): Uncertain significance (1 of 4 stars; one submission).

Conditions:
Spondylocostal dysostosis 3, autosomal recessive (SCDO3). Also called: LFNG-Related Spondylocostal Dysostosis, Autosomal Recessive. Identifiers: Orphanet 2311, MedGen C1853296, MONDO:0012349, OMIM 609813.

Allele frequency attached by ClinVar (database versions not stated): gnomAD exomes 0.00003; ExAC 0.00004; TOPMed 0.00004.

Submission:

Labcorp Genetics (formerly Invitae), Labcorp
Classification: Uncertain significance for Spondylocostal dysostosis 3, autosomal recessive. Last evaluated: 2021-09-15. Review status: criteria provided, single submitter. Criteria: Invitae Variant Classification Sherloc (09022015). Collection method: clinical testing. Allele origin: germline.
Comment: Algorithms developed to predict the effect of missense changes on protein structure and function (SIFT, PolyPhen-2, Align-GVGD) all suggest that this variant is likely to be tolerated. In summary, the available evidence is currently insufficient to determine the role of this variant in disease. Therefore, it has been classified as a Variant of Uncertain Significance. Algorithms developed to predict the effect of sequence changes on RNA splicing suggest that this variant may create or strengthen a splice site. This variant has not been reported in the literature in individuals affected with LFNG-related conditions. This variant is present in population databases (rs760610052, ExAC 0.04%). This sequence change replaces arginine with glutamine at codon 212 of the LFNG protein (p.Arg212Gln). The arginine residue is moderately conserved and there is a small physicochemical difference between arginine and glutamine.

NM_001040167.2(LFNG):c.635G>A (p.Arg212Gln)

Gene: LFNG (LFNG O-fucosylpeptide 3-beta-N-acetylglucosaminyltransferase; plus strand). Cytogenetic location: 7p22.3.
Variant type: single nucleotide variant.
Coding change: c.635G>A on transcript NM_001040167.2 (MANE Select); coding-DNA position 635, G replaced by A.
Protein change: p.Arg212Gln; replaces arginine 212 with glutamine.
Molecular consequence: missense variant.
Genome position (GRCh38, 1-based): chr7:2,525,467, G>A. VCF-style: chr7-2525467-G-A. GRCh37 (hg19) VCF-style: chr7-2565101-G-A.
Other names: c.635G>A, p.Arg212Gln (NM_001040168.2); c.422G>A, p.Arg141Gln (NM_001166355.2); c.248G>A, p.Arg83Gln (NM_002304.3); short protein forms R141Q, R212Q, R83Q.
Identifiers: ClinVar variation 1377149 (VCV001377149.4), dbSNP rs760610052, ClinGen allele CA4127060.